The following is an entry in ClinVar:

NM_178138.6(LHX3):c.454+3C>T

Gene: LHX3 (LIM homeobox 3; minus strand). Cytogenetic location: 9q34.3.
Variant type: single nucleotide variant.
Coding change: c.454+3C>T on transcript NM_178138.6 (MANE Select); 3 bases into the intron after coding-DNA position 454, C replaced by T.
Molecular consequence: intron variant.
Genome position (GRCh38, 1-based): chr9:136,199,675, G>A on the plus strand (C>T on the coding strand, the complement: LHX3 is on the minus strand). VCF-style: chr9-136199675-G-A. GRCh37 (hg19) VCF-style: chr9-139091521-G-A.
Other names: c.469+3C>T (NM_014564.5); c.421+3C>T (NM_001363746.1).
Identifiers: ClinVar variation 365820 (VCV000365820.21), dbSNP rs34356735, ClinGen allele CA5330499.

ClinVar aggregate classification (germline): Benign/Likely benign. Review status: criteria provided, multiple submitters, no conflicts (2 of 4 stars). 9 submissions from 9 submitters: Benign (3); Likely benign (3). 3 of the submissions do not count toward it. Last evaluated 2026-05-11.

Conditions:
Non-acquired combined pituitary hormone deficiency with spine abnormalities (CPHD3). Also called: Winkelman Bethge Pfeiffer syndrome; WBP syndrome; Combined pituitary hormone deficiency type 3. Identifiers: Orphanet 231720, MedGen C3489787, MONDO:0009091, OMIM 221750.
Combined pituitary hormone deficiencies, genetic form. Also called: Pituitary hormone deficiency, combined. Identifiers: Orphanet 95494, MedGen C4273747, MONDO:0013099.

Allele frequency attached by ClinVar (database versions not stated): 1000 Genomes Project 0.00899; 1000 Genomes Project 30x 0.00921; TOPMed 0.01270; gnomAD 0.01324 and 0.01349; gnomAD exomes 0.01545 and 0.01823; ExAC 0.01575; ESP Exome Variant Server 0.01600.
gnomAD v4.1: 28,561 of 1,612,706 alleles (1.8%); highest among the groups gnomAD compares: Non-Finnish European, 2%; 336 homozygotes.

Submissions (9):

Women's Health and Genetics/Laboratory Corporation of America, LabCorp
Classification: Benign. Last evaluated: 2026-05-11. Review status: criteria provided, single submitter. Criteria: LabCorp Variant Classification Summary - May 2015. Collection method: clinical testing. Allele origin: germline.

Labcorp Genetics (formerly Invitae), Labcorp
Classification: Benign. Last evaluated: 2026-02-04. Review status: criteria provided, single submitter. Criteria: Invitae Variant Classification Sherloc (09022015). Collection method: clinical testing. Allele origin: germline.

Blueprint Genetics
Classification: Likely benign. Last evaluated: 2024-11-27. Review status: criteria provided, single submitter. Criteria: ACMG Guidelines, 2015. Collection method: clinical testing. Allele origin: germline.

GeneDx
Classification: Benign. Last evaluated: 2020-03-03. Review status: criteria provided, single submitter. Criteria: GeneDx Variant Classification Process June 2021. Collection method: clinical testing. Allele origin: germline. Affected: yes.

Illumina Laboratory Services, Illumina
Classification: Likely benign for Non-acquired combined pituitary hormone deficiency with spine abnormalities. Last evaluated: 2018-01-12. Review status: criteria provided, single submitter. Criteria: ICSL Variant Classification Criteria 13 December 2019. Collection method: clinical testing. Allele origin: germline.
Comment: This variant was observed in the ICSL laboratory as part of a predisposition screen in an ostensibly healthy population. It had not been previously curated by ICSL or reported in the Human Gene Mutation Database (HGMD: prior to June 1st, 2018), and was therefore a candidate for classification through an automated scoring system. Utilizing variant allele frequency, disease prevalence and penetrance estimates, and inheritance mode, an automated score was calculated to assess if this variant is too frequent to cause the disease. Based on the score and internal cut-off values, a variant classified as likely benign is not then subjected to further curation. The score for this variant resulted in a classification of likely benign for this disease.

Breakthrough Genomics
Classification: Likely benign. Review status: criteria provided, single submitter. Criteria: ACMG Guidelines, 2015. Collection method: not provided. Allele origin: germline. Inheritance: Autosomal recessive inheritance. Affected: yes.

Natera, Inc.
Classification: Benign for Combined pituitary hormone deficiency. Last evaluated: 2019-11-11. Review status: no assertion criteria provided. Collection method: clinical testing. Allele origin: germline. Not counted in ClinVar's aggregate classification.

Clinical Genetics, Academic Medical Center
Classification: Benign. Review status: no assertion criteria provided. Collection method: clinical testing. Allele origin: germline. Affected: yes. Study: VKGL Data-share Consensus. Not counted in ClinVar's aggregate classification.

Laboratory of Diagnostic Genome Analysis, Leiden University Medical Center (LUMC)
Classification: Likely benign. Review status: no assertion criteria provided. Collection method: clinical testing. Allele origin: germline. Affected: yes. Study: VKGL Data-share Consensus. Not counted in ClinVar's aggregate classification.